The following is an entry in ClinVar:

ClinVar aggregate classification (germline): Benign/Likely benign. Review status: criteria provided, multiple submitters, no conflicts (2 of 4 stars). 2 submissions from 2 submitters: Benign (1); Likely benign (1). Last evaluated 2025-07-20.

Conditions:
Ataxia-telangiectasia syndrome (AT). Also called: ATAXIA-TELANGIECTASIA, COMPLEMENTATION GROUP A; ATAXIA-TELANGIECTASIA, FRESNO VARIANT; Ataxia-telangiectasia, complementation group D; AT, COMPLEMENTATION GROUP C; Ataxia-telangiectasia; LOUIS-BAR SYNDROME. Identifiers: Orphanet 100, MedGen C0004135, MONDO:0008840, OMIM 208900.
Familial cancer of breast. Also called: BREAST CANCER, FAMILIAL; Hereditary breast cancer; hereditary breast carcinoma. Identifiers: Orphanet 227535, MedGen C0346153, MONDO:0016419, OMIM 114480. Disease mechanism: loss of function.

Submissions (2):

Labcorp Genetics (formerly Invitae), Labcorp
Classification: Likely benign for Ataxia-telangiectasia syndrome. Last evaluated: 2025-07-20. Review status: criteria provided, single submitter. Criteria: Invitae Variant Classification Sherloc (09022015). Collection method: clinical testing. Allele origin: germline.

Myriad Genetics, Inc.
Classification: Benign for Familial cancer of breast. Last evaluated: 2024-05-15. Review status: criteria provided, single submitter. Criteria: Myriad Autosomal Dominant, Autosomal Recessive and X-Linked Classification Criteria (2023). Collection method: clinical testing. Allele origin: unknown.
Comment: This variant is considered benign. This variant is a silent/synonymous amino acid change and it is not expected to impact splicing.

NM_000051.4(ATM):c.3936A>G (p.Arg1312=)

Gene: ATM (ATM serine/threonine kinase; plus strand). Cytogenetic location: 11q22.3.
Variant type: single nucleotide variant.
Coding change: c.3936A>G on transcript NM_000051.4 (MANE Select); coding-DNA position 3936, A replaced by G.
Protein change: p.Arg1312=; no amino-acid change (arginine 1312 retained).
Molecular consequence: synonymous variant.
Genome position (GRCh38, 1-based): chr11:108,284,416, A>G. VCF-style: chr11-108284416-A-G. GRCh37 (hg19) VCF-style: chr11-108155143-A-G.
Other names: c.3936A>G, p.Arg1312= (NM_001351834.2).
Identifiers: ClinVar variation 1949426 (VCV001949426.6), dbSNP rs2135708896, ClinGen allele CA476744911.
Genomic context (GRCh38, chr11:108,284,416, plus strand): 5'-AAATATTCTTCCTTATTTTGCCTATGAGGGTACCAGAGACAGTGGGATGGCACAGCAAAG[A>G]GAGACTGCTACCAAGGTCTATGATATGCTTAAAAGTGAAAACTTATTGGGAAAACAGGTA-3'
Protein context (NP_000042.3, residues 1302-1322): GTRDSGMAQQ[Arg1312=]ETATKVYDML